The following is an entry in ClinVar:

NM_000038.6(APC):c.7285T>C (p.Ser2429Pro)

Gene: APC (APC regulator of Wnt signaling pathway; plus strand). Cytogenetic location: 5q22.2.
Variant type: single nucleotide variant.
Coding change: c.7285T>C on transcript NM_000038.6 (MANE Select); coding-DNA position 7285, T replaced by C.
Protein change: p.Ser2429Pro; replaces serine 2429 with proline.
Molecular consequence: missense variant.
Genome position (GRCh38, 1-based): chr5:112,842,879, T>C. VCF-style: chr5-112842879-T-C. GRCh37 (hg19) VCF-style: chr5-112178576-T-C.
Other names: c.7285T>C, p.Ser2429Pro (NM_001127510.3, NM_001354895.2); c.7231T>C, p.Ser2411Pro (NM_001127511.3); c.7339T>C, p.Ser2447Pro (NM_001354896.2); c.7315T>C, p.Ser2439Pro (NM_001354897.2); c.7210T>C, p.Ser2404Pro (NM_001354898.2); c.7201T>C, p.Ser2401Pro (NM_001354899.2); c.7162T>C, p.Ser2388Pro (NM_001354900.2); c.7108T>C, p.Ser2370Pro (NM_001354901.2); and 5 more; short protein forms S2411P, S2429P, S2269P, S2328P, S2338P, S2146P, S2303P, S2447P.
Identifiers: ClinVar variation 537486 (VCV000537486.11), dbSNP rs780608768, ClinGen allele CA047506.
Genomic context (GRCh38, chr5:112,842,879, plus strand): 5'-GGAGCCAATAAAAAGGTAGAACTTTCTAGAATGTCTTCAACTAAATCAAGTGGAAGTGAA[T>C]CTGATAGATCAGAAAGACCTGTATTAGTACGCCAGTCAACTTTCATCAAAGAAGCTCCAA-3'
Protein context (NP_000029.2, residues 2419-2439): MSSTKSSGSE[Ser2429Pro]DRSERPVLVR

ClinVar aggregate classification (germline): Uncertain significance. Review status: criteria provided, multiple submitters, no conflicts (2 of 4 stars). 2 submissions from 2 submitters: Uncertain significance (2). Last evaluated 2025-09-16.

Conditions:
Hereditary cancer-predisposing syndrome. Also called: Tumor predisposition; Hereditary Cancer Syndrome; Hereditary neoplastic syndrome; Neoplastic Syndromes, Hereditary. Identifiers: Orphanet 140162, MedGen C0027672, MeSH D009386, MONDO:0015356.
Familial adenomatous polyposis 1 (FAP1). Also called: FAMILIAL ADENOMATOUS POLYPOSIS 1, ATTENUATED; POLYPOSIS, ADENOMATOUS INTESTINAL. Identifiers: MedGen C2713442, MONDO:0021056, OMIM 175100. Disease mechanism: loss of function.

Allele frequency attached by ClinVar (database versions not stated): gnomAD exomes below 0.00001 and 0.00001; ExAC 0.00001.
gnomAD v4.1: 3 of 1,614,034 alleles (0.00019%); highest among the groups gnomAD compares: South Asian, 0.0033%; no homozygotes.

Submissions (2):

Labcorp Genetics (formerly Invitae), Labcorp
Classification: Uncertain significance for Familial adenomatous polyposis 1. Last evaluated: 2025-09-16. Review status: criteria provided, single submitter. Criteria: Invitae Variant Classification Sherloc (09022015). Collection method: clinical testing. Allele origin: germline.
Comment: This sequence change replaces serine, which is neutral and polar, with proline, which is neutral and non-polar, at codon 2429 of the APC protein (p.Ser2429Pro). This variant is present in population databases (rs780608768, gnomAD 0.003%). This variant has not been reported in the literature in individuals affected with APC-related conditions. ClinVar contains an entry for this variant (Variation ID: 537486). Invitae Evidence Modeling of protein sequence and biophysical properties (such as structural, functional, and spatial information, amino acid conservation, physicochemical variation, residue mobility, and thermodynamic stability) indicates that this missense variant is not expected to disrupt APC protein function with a negative predictive value of 95%. In summary, the available evidence is currently insufficient to determine the role of this variant in disease. Therefore, it has been classified as a Variant of Uncertain Significance.

Ambry Genetics
Classification: Uncertain significance for Hereditary cancer-predisposing syndrome. Last evaluated: 2023-05-04. Review status: criteria provided, single submitter. Criteria: Ambry Variant Classification Scheme 2023. Collection method: clinical testing. Allele origin: germline.
Comment: The p.S2429P variant (also known as c.7285T>C), located in coding exon 15 of the APC gene, results from a T to C substitution at nucleotide position 7285. The serine at codon 2429 is replaced by proline, an amino acid with similar properties. This amino acid position is conserved. In addition, in silico predictors for this gene do not accurately predict pathogenicity. Since supporting evidence is limited at this time, the clinical significance of this alteration remains unclear.